The following is an entry in ClinVar:

NM_014918.5(CHSY1):c.1865A>G (p.Asn622Ser)

Gene: CHSY1 (chondroitin sulfate synthase 1; minus strand). Cytogenetic location: 15q26.3.
Variant type: single nucleotide variant.
Coding change: c.1865A>G on transcript NM_014918.5 (MANE Select); coding-DNA position 1865, A replaced by G.
Protein change: p.Asn622Ser; replaces asparagine 622 with serine.
Molecular consequence: missense variant.
Genome position (GRCh38, 1-based): chr15:101,177,932, T>C on the plus strand (A>G on the coding strand, the complement: CHSY1 is on the minus strand). VCF-style: chr15-101177932-T-C. GRCh37 (hg19) VCF-style: chr15-101718137-T-C.
Other names: short protein forms N622S.
Identifiers: ClinVar variation 1934391 (VCV001934391.5), dbSNP rs1328484928, ClinGen allele CA393958527.
Genomic context (GRCh38, chr15:101,177,932, plus strand): 5'-TGAAGGAATTCTGTAGTAAACACGAGGTCGACGTCGCAGAAGAAGAGCAAAGATTCATTG[T>C]TAAACTGGGAGGATCCTACTTCCAGGGCCAGGGCTCTTGAAAACTCTCCAGACACAGGCA-3'
Protein context (NP_055733.2, residues 612-632): LALEVGSSQF[Asn622Ser]NESLLFFCDV

ClinVar aggregate classification (germline): Uncertain significance (1 of 4 stars; one submission).

Conditions:
Temtamy preaxial brachydactyly syndrome (TPBS). Identifiers: Orphanet 363417, MedGen C1854466, MONDO:0011533, OMIM 605282.

Allele frequency attached by ClinVar (database versions not stated): TOPMed below 0.00001; gnomAD 0.00001.
gnomAD v4.1: 12 of 1,614,096 alleles (0.00074%); highest among the groups gnomAD compares: Non-Finnish European, 0.001%; no homozygotes.

Submission:

Labcorp Genetics (formerly Invitae), Labcorp
Classification: Uncertain significance for Temtamy preaxial brachydactyly syndrome. Last evaluated: 2025-05-29. Review status: criteria provided, single submitter. Criteria: Invitae Variant Classification Sherloc (09022015). Collection method: clinical testing. Allele origin: germline.
Comment: This sequence change replaces asparagine, which is neutral and polar, with serine, which is neutral and polar, at codon 622 of the CHSY1 protein (p.Asn622Ser). This variant is present in population databases (no rsID available, gnomAD 0.007%). This variant has not been reported in the literature in individuals affected with CHSY1-related conditions. ClinVar contains an entry for this variant (Variation ID: 1934391). Invitae Evidence Modeling of protein sequence and biophysical properties (such as structural, functional, and spatial information, amino acid conservation, physicochemical variation, residue mobility, and thermodynamic stability) indicates that this missense variant is not expected to disrupt CHSY1 protein function with a negative predictive value of 80%. In summary, the available evidence is currently insufficient to determine the role of this variant in disease. Therefore, it has been classified as a Variant of Uncertain Significance.